The following is an entry in ClinVar:

NM_006885.4(ZFHX3):c.5082G>A (p.Gly1694=)

Genes: ZFHX3 (zinc finger homeobox 3; minus strand), ZFHX3-AS1 (ZFHX3 antisense RNA 1; plus strand). Cytogenetic location: 16q22.2.
Variant type: single nucleotide variant.
Coding change: c.5082G>A on transcript NM_006885.4 (MANE Select); coding-DNA position 5082, G replaced by A.
Protein change: p.Gly1694=; no amino-acid change (glycine 1694 retained).
Molecular consequence: synonymous variant.
Genome position (GRCh38, 1-based): chr16:72,797,600, C>T on the plus strand (G>A on the coding strand, the complement: ZFHX3 is on the minus strand). VCF-style: chr16-72797600-C-T. GRCh37 (hg19) VCF-style: chr16-72831499-C-T.
Other names: c.2340G>A, p.Gly780= (NM_001164766.2); c.5082G>A, p.Gly1694= (NM_001386735.1).
Identifiers: ClinVar variation 3770879 (VCV003770879.13).

ClinVar aggregate classification (germline): Likely benign (1 of 4 stars; one submission).

gnomAD v4.1: 1,614 of 1,614,038 alleles (0.1%); highest among the groups gnomAD compares: Non-Finnish European, 0.13%; 1 homozygote.

Submission:

CeGaT Center for Human Genetics Tuebingen
Classification: Likely benign. Last evaluated: 2026-08-01. Review status: criteria provided, single submitter. Criteria: CeGaT Center For Human Genetics Tuebingen Variant Classification Criteria Version 2. Collection method: clinical testing. Allele origin: germline. Affected: yes. Observed: 2 variant alleles.
Comment: ZFHX3: BP4, BP7